The following is an entry in ClinVar:

NM_181458.4(PAX3):c.1346G>A (p.Cys449Tyr)

Gene: PAX3 (paired box 3; minus strand). Cytogenetic location: 2q36.1.
Variant type: single nucleotide variant.
Coding change: c.1346G>A on transcript NM_181458.4 (MANE Select); coding-DNA position 1346, G replaced by A.
Protein change: p.Cys449Tyr; replaces cysteine 449 with tyrosine.
Molecular consequence: missense variant. On other transcripts: intron variant (2).
Genome position (GRCh38, 1-based): chr2:222,202,018, C>T on the plus strand (G>A on the coding strand, the complement: PAX3 is on the minus strand). VCF-style: chr2-222202018-C-T. GRCh37 (hg19) VCF-style: chr2-223066737-C-T.
Other names: c.1343G>A, p.Cys448Tyr (NM_001127366.3); c.1346G>A, p.Cys449Tyr (NM_181457.4, NM_181459.4); c.1174-576G>A (NM_181460.4, NM_181461.4); short protein forms C448Y, C449Y.
Identifiers: ClinVar variation 4710496 (VCV004710496.1).

ClinVar aggregate classification (germline): Uncertain significance (1 of 4 stars; one submission).

gnomAD v4.1: 3 of 1,614,036 alleles (0.00019%); highest among the groups gnomAD compares: East Asian, 0.0022%; no homozygotes.

Submission:

Labcorp Genetics (formerly Invitae), Labcorp
Classification: Uncertain significance. Last evaluated: 2025-08-25. Review status: criteria provided, single submitter. Criteria: Invitae Variant Classification Sherloc (09022015). Collection method: clinical testing. Allele origin: germline.
Comment: This sequence change replaces cysteine, which is neutral and slightly polar, with tyrosine, which is neutral and polar, at codon 449 of the PAX3 protein (p.Cys449Tyr). This variant is not present in population databases (gnomAD no frequency). This variant has not been reported in the literature in individuals affected with PAX3-related conditions. An algorithm developed to predict the effect of missense changes on protein structure and function (PolyPhen-2) suggests that this variant is likely to be disruptive. In summary, the available evidence is currently insufficient to determine the role of this variant in disease. Therefore, it has been classified as a Variant of Uncertain Significance.